The following is an entry in ClinVar:

ClinVar aggregate classification (germline): Uncertain significance (1 of 4 stars; one submission).

Conditions:
Pontocerebellar hypoplasia type 1B. Also called: EXOSC3 Pontocerebellar Hypoplasia. Identifiers: Orphanet 2254, MedGen C3553449, MONDO:0013853, OMIM 614678.

Submission:

Labcorp Genetics (formerly Invitae), Labcorp
Classification: Uncertain significance for Pontocerebellar hypoplasia type 1B. Last evaluated: 2026-01-26. Review status: criteria provided, single submitter. Criteria: Invitae Variant Classification Sherloc (09022015). Collection method: clinical testing. Allele origin: germline.
Comment: This sequence change replaces threonine, which is neutral and polar, with proline, which is neutral and non-polar, at codon 81 of the EXOSC3 protein (p.Thr81Pro). This variant is not present in population databases (gnomAD no frequency). This variant has not been reported in the literature in individuals affected with EXOSC3-related conditions. Invitae Evidence Modeling of protein sequence and biophysical properties (such as structural, functional, and spatial information, amino acid conservation, physicochemical variation, residue mobility, and thermodynamic stability) has been performed for this missense variant. However, the output from this modeling did not meet the statistical confidence thresholds required to predict the impact of this variant on EXOSC3 protein function. In summary, the available evidence is currently insufficient to determine the role of this variant in disease. Therefore, it has been classified as a Variant of Uncertain Significance.

NM_016042.4(EXOSC3):c.241A>C (p.Thr81Pro)

Genes: EXOSC3 (exosome component 3; minus strand), LOC130001814 (ATAC-STARR-seq lymphoblastoid active region 28402; plus strand). Cytogenetic location: 9p13.2.
Variant type: single nucleotide variant.
Coding change: c.241A>C on transcript NM_016042.4 (MANE Select); coding-DNA position 241, A replaced by C.
Protein change: p.Thr81Pro; replaces threonine 81 with proline.
Molecular consequence: missense variant.
Genome position (GRCh38, 1-based): chr9:37,784,804, T>G on the plus strand (A>C on the coding strand, the complement: EXOSC3 is on the minus strand). VCF-style: chr9-37784804-T-G. GRCh37 (hg19) VCF-style: chr9-37784801-T-G.
Other names: c.241A>C, p.Thr81Pro (NM_001002269.2); short protein forms T81P.
Identifiers: ClinVar variation 4710058 (VCV004710058.1).